The following is an entry in ClinVar:

ClinVar aggregate classification (germline): Likely benign. Review status: criteria provided, multiple submitters, no conflicts (2 of 4 stars). 4 submissions from 4 submitters: Likely benign (3). 1 of the submissions does not count toward it. Last evaluated 2025-03-13.

Conditions:
CACNA1F-related disorder. Also called: CACNA1F-related condition.
Retinitis pigmentosa (RP). Identifiers: Orphanet 791, MedGen C0035334, MeSH D012174, MONDO:0019200, OMIM 268000. Inheritance: Autosomal dominant, autosomal recessive and X linked inheritance.

Allele frequency attached by ClinVar (database versions not stated): gnomAD 0.00001 and 0.00002; gnomAD exomes 0.00001; TOPMed 0.00008; 1000 Genomes Project 30x 0.00021; 1000 Genomes Project 0.00026.
gnomAD v4.1: 10 of 1,208,871 alleles (0.00083%); highest among the groups gnomAD compares: East Asian, 0.012%; no homozygotes.

Submissions (4):

PreventionGenetics, part of Exact Sciences
Classification: Likely benign for CACNA1F-related condition. Last evaluated: 2025-03-13. Review status: criteria provided, single submitter. Criteria: ACMG Guidelines, 2015. Collection method: clinical testing. Allele origin: germline.
Comment: This variant is classified as likely benign based on ACMG/AMP sequence variant interpretation guidelines (Richards et al. 2015 PMID: 25741868, with internal and published modifications).

Labcorp Genetics (formerly Invitae), Labcorp
Classification: Likely benign. Last evaluated: 2024-05-15. Review status: criteria provided, single submitter. Criteria: Invitae Variant Classification Sherloc (09022015). Collection method: clinical testing. Allele origin: germline.

Blueprint Genetics
Classification: Likely benign. Last evaluated: 2024-04-29. Review status: criteria provided, single submitter. Criteria: ACMG Guidelines, 2015. Collection method: clinical testing. Allele origin: germline.

Rui Chen Lab, Baylor College of Medicine
Classification: Likely benign for Retinitis pigmentosa. Last evaluated: 2017-05-09. Review status: no assertion criteria provided. Collection method: research. Allele origin: germline. Affected: yes. Not counted in ClinVar's aggregate classification.
Comment: An in vitrominigene system was used to confirm that the variant does not affect splicing

NM_001256789.3(CACNA1F):c.867G>A (p.Gly289=)

Gene: CACNA1F (calcium voltage-gated channel subunit alpha1 F; minus strand). Cytogenetic location: Xp11.23.
Variant type: single nucleotide variant.
Coding change: c.867G>A on transcript NM_001256789.3 (MANE Select); coding-DNA position 867, G replaced by A.
Protein change: p.Gly289=; no amino-acid change (glycine 289 retained).
Molecular consequence: synonymous variant.
Genome position (GRCh38, 1-based): chrX:49,228,398, C>T on the plus strand (G>A on the coding strand, the complement: CACNA1F is on the minus strand). VCF-style: chrX-49228398-C-T. GRCh37 (hg19) VCF-style: chrX-49084860-C-T.
Other names: c.672G>A, p.Gly224= (NM_001256790.3); c.867G>A, p.Gly289= (NM_005183.4); c.867G>A (NM_005183.3).
Identifiers: ClinVar variation 427875 (VCV000427875.11), dbSNP rs199981245, ClinGen allele CA329124326.
Genomic context (GRCh38, chrX:49,228,398, plus strand): 5'-GCCTCCATTGGGCCCTGGCCAGCGCCCGCGGCACTCAGTCTGGTTCAGCGTGCACGCACG[C>T]CCTGATCCCGAAGACGCACAGGGCGATGGGTCCTCCTCCGCTTCCATGTCTGCAGGAAGA-3'
Protein context (NP_001243718.1, residues 279-299): DPSPCASSGS[Gly289=]RACTLNQTEC